The following is an entry in ClinVar:

NM_000455.5(STK11):c.983C>G (p.Thr328Ser)

Genes: STK11 (serine/threonine kinase 11; plus strand), LOC130062899 (ATAC-STARR-seq lymphoblastoid active region 13597; plus strand). Cytogenetic location: 19p13.3.
Variant type: single nucleotide variant.
Coding change: c.983C>G on transcript NM_000455.5 (MANE Select); coding-DNA position 983, C replaced by G.
Protein change: p.Thr328Ser; replaces threonine 328 with serine.
Molecular consequence: missense variant.
Genome position (GRCh38, 1-based): chr19:1,223,047, C>G. VCF-style: chr19-1223047-C-G. GRCh37 (hg19) VCF-style: chr19-1223046-C-G.
Other names: short protein forms T328S.
Identifiers: ClinVar variation 921296 (VCV000921296.16), dbSNP rs1405959130, ClinGen allele CA402951615.
Genomic context (GRCh38, chr19:1,223,047, plus strand): 5'-GGTTCCGGAAGAAACATCCTCCGGCTGAAGCACCAGTGCCCATCCCACCGAGCCCAGACA[C>G]CAAGGACCGGTGGCGCAGCATGACTGTGGTGCCGTACTTGGAGGACCTGCACGGCGCGGA-3'
Protein context (NP_000446.1, residues 318-338): APVPIPPSPD[Thr328Ser]KDRWRSMTVV

ClinVar aggregate classification (germline): Conflicting classifications of pathogenicity. Review status: criteria provided, conflicting classifications (1 of 4 stars). 4 submissions from 4 submitters: Uncertain significance (3); Likely benign (1). Last evaluated 2026-09-08.

Conditions:
Hereditary cancer-predisposing syndrome. Also called: Neoplastic Syndromes, Hereditary; Hereditary Cancer Syndrome; Tumor predisposition; Hereditary neoplastic syndrome. Identifiers: Orphanet 140162, MedGen C0027672, MeSH D009386, MONDO:0015356.
Peutz-Jeghers syndrome (PJS). Also called: POLYPOSIS, HAMARTOMATOUS INTESTINAL; POLYPS-AND-SPOTS SYNDROME; Peutz-Jeghers polyposis; Periorificial lentiginosis syndrome. Identifiers: Orphanet 2869, MedGen C0031269, MeSH D010580, MONDO:0008280, OMIM 175200.

Allele frequency attached by ClinVar (database versions not stated): gnomAD exomes below 0.00001.
gnomAD v4.1: 7 of 1,600,908 alleles (0.00044%); highest among the groups gnomAD compares: South Asian, 0.0068%; no homozygotes.

Submissions (4):

Ambry Genetics
Classification: Likely benign for Hereditary cancer-predisposing syndrome. Last evaluated: 2026-09-08. Review status: criteria provided, single submitter. Criteria: Ambry Variant Classification Scheme 2023. Collection method: clinical testing. Allele origin: germline.

Labcorp Genetics (formerly Invitae), Labcorp
Classification: Uncertain significance for Peutz-Jeghers syndrome. Last evaluated: 2024-12-24. Review status: criteria provided, single submitter. Criteria: Invitae Variant Classification Sherloc (09022015). Collection method: clinical testing. Allele origin: germline.
Comment: This sequence change replaces threonine, which is neutral and polar, with serine, which is neutral and polar, at codon 328 of the STK11 protein (p.Thr328Ser). The frequency data for this variant in the population databases is considered unreliable, as metrics indicate poor data quality at this position in the gnomAD database. This variant has not been reported in the literature in individuals affected with STK11-related conditions. ClinVar contains an entry for this variant (Variation ID: 921296). Invitae Evidence Modeling of protein sequence and biophysical properties (such as structural, functional, and spatial information, amino acid conservation, physicochemical variation, residue mobility, and thermodynamic stability) indicates that this missense variant is not expected to disrupt STK11 protein function with a negative predictive value of 95%. In summary, the available evidence is currently insufficient to determine the role of this variant in disease. Therefore, it has been classified as a Variant of Uncertain Significance.

Blueprint Genetics
Classification: Uncertain significance. Last evaluated: 2024-10-30. Review status: criteria provided, single submitter. Criteria: ACMG Guidelines, 2015. Collection method: clinical testing. Allele origin: germline.

Color Diagnostics, LLC DBA Color Health
Classification: Uncertain significance for Hereditary cancer-predisposing syndrome. Last evaluated: 2024-03-06. Review status: criteria provided, single submitter. Criteria: ACMG Guidelines, 2015. Collection method: clinical testing. Allele origin: germline.
Comment: This missense variant replaces threonine with serine at codon 328 of the STK11 protein. Computational prediction suggests that this variant may not impact protein structure and function (internally defined REVEL score threshold <= 0.5, PMID: 27666373). Splice site prediction tools suggest that this variant may not impact RNA splicing. To our knowledge, functional studies have not been performed for this variant. This variant has not been reported in individuals affected with hereditary cancer in the literature. This variant has been identified in 1/226576 chromosomes in the general population by the Genome Aggregation Database (gnomAD). The available evidence is insufficient to determine the role of this variant in disease conclusively. Therefore, this variant is classified as a Variant of Uncertain Significance.